The following is an entry in ClinVar:

NM_001040142.2(SCN2A):c.5579C>G (p.Ala1860Gly)

Gene: SCN2A (sodium voltage-gated channel alpha subunit 2; plus strand). Cytogenetic location: 2q24.3.
Variant type: single nucleotide variant.
Coding change: c.5579C>G on transcript NM_001040142.2 (MANE Select); coding-DNA position 5579, C replaced by G.
Protein change: p.Ala1860Gly; replaces alanine 1860 with glycine.
Molecular consequence: missense variant.
Genome position (GRCh38, 1-based): chr2:165,389,385, C>G. VCF-style: chr2-165389385-C-G. GRCh37 (hg19) VCF-style: chr2-166245895-C-G.
Other names: c.5579C>G, p.Ala1860Gly (NM_001040143.2, NM_001371246.1, NM_001371247.1 and 1 more transcripts); short protein forms A1860G.
Identifiers: ClinVar variation 1318870 (VCV001318870.2), dbSNP rs2105403423, ClinGen allele CA349039421.

ClinVar aggregate classification (germline): Uncertain significance (1 of 4 stars; one submission).

Submission:

GeneDx
Classification: Uncertain significance. Last evaluated: 2020-12-03. Review status: criteria provided, single submitter. Criteria: GeneDx Variant Classification Process June 2021. Collection method: clinical testing. Allele origin: germline. Affected: yes.
Comment: Not observed in large population cohorts (Lek et al., 2016); Missense variants in this gene are often considered pathogenic (Stenson et al., 2014); In silico analysis supports that this missense variant has a deleterious effect on protein structure/function; Has not been previously published as pathogenic or benign to our knowledge; This substitution is predicted to be within the C-terminal cytoplasmic domain